The following is an entry in ClinVar:

ClinVar aggregate classification (germline): Uncertain significance. Review status: criteria provided, multiple submitters, no conflicts (2 of 4 stars). 2 submissions from 2 submitters: Uncertain significance (2). Last evaluated 2024-09-30.

Conditions:
Charcot-Marie-Tooth disease type 2. Also called: Charcot-Marie-Tooth type 2. Identifiers: Orphanet 64746, MedGen C0270914, MONDO:0018993.

Allele frequency attached by ClinVar (database versions not stated): TOPMed 0.00001.
gnomAD v4.1: 2 of 1,612,132 alleles (0.00012%); highest among the groups gnomAD compares: South Asian, 0.0011%; no homozygotes.

Submissions (2):

Ambry Genetics
Classification: Uncertain significance. Last evaluated: 2024-09-30. Review status: criteria provided, single submitter. Criteria: Ambry Variant Classification Scheme 2023. Collection method: clinical testing. Allele origin: germline.
Comment: The p.G545V variant (also known as c.1634G>T), located in coding exon 16 of the KIF1B gene, results from a G to T substitution at nucleotide position 1634. The glycine at codon 545 is replaced by valine, an amino acid with dissimilar properties. This amino acid position is highly conserved in available vertebrate species. In addition, this alteration is predicted to be deleterious by in silico analysis. Since supporting evidence is limited at this time, the clinical significance of this alteration remains unclear.

Labcorp Genetics (formerly Invitae), Labcorp
Classification: Uncertain significance for Charcot-Marie-Tooth disease type 2. Last evaluated: 2023-05-08. Review status: criteria provided, single submitter. Criteria: Invitae Variant Classification Sherloc (09022015). Collection method: clinical testing. Allele origin: germline.
Comment: This variant is not present in population databases (gnomAD no frequency). This sequence change replaces glycine, which is neutral and non-polar, with valine, which is neutral and non-polar, at codon 545 of the KIF1B protein (p.Gly545Val). This variant has not been reported in the literature in individuals affected with KIF1B-related conditions. In summary, the available evidence is currently insufficient to determine the role of this variant in disease. Therefore, it has been classified as a Variant of Uncertain Significance. An algorithm developed to predict the effect of missense changes on protein structure and function (PolyPhen-2) suggests that this variant is likely to be disruptive. ClinVar contains an entry for this variant (Variation ID: 1776900).

NM_001365951.3(KIF1B):c.1772G>T (p.Gly591Val)

Gene: KIF1B (kinesin family member 1B; plus strand). Cytogenetic location: 1p36.22.
Variant type: single nucleotide variant.
Coding change: c.1772G>T on transcript NM_001365951.3 (MANE Select); coding-DNA position 1772, G replaced by T.
Protein change: p.Gly591Val; replaces glycine 591 with valine.
Molecular consequence: missense variant.
Genome position (GRCh38, 1-based): chr1:10,295,761, G>T. VCF-style: chr1-10295761-G-T. GRCh37 (hg19) VCF-style: chr1-10355819-G-T.
Other names: c.1634G>T, p.Gly545Val (NM_015074.3, NM_183416.4, NM_001365953.1); c.1772G>T, p.Gly591Val (NM_001365952.1); short protein forms G545V, G591V.
Identifiers: ClinVar variation 1776900 (VCV001776900.6), dbSNP rs1650231445, ClinGen allele CA338315246.